The following is an entry in ClinVar:

NM_000135.4(FANCA):c.389A>T (p.Glu130Val)

Gene: FANCA (FA complementation group A; minus strand). Cytogenetic location: 16q24.3.
Variant type: single nucleotide variant.
Coding change: c.389A>T on transcript NM_000135.4 (MANE Select); coding-DNA position 389, A replaced by T.
Protein change: p.Glu130Val; replaces glutamic acid 130 with valine.
Molecular consequence: missense variant.
Genome position (GRCh38, 1-based): chr16:89,810,966, T>A on the plus strand (A>T on the coding strand, the complement: FANCA is on the minus strand). VCF-style: chr16-89810966-T-A. GRCh37 (hg19) VCF-style: chr16-89877374-T-A.
Other names: c.389A>T, p.Glu130Val (NM_001018112.3, NM_001286167.3, NM_001351830.2); short protein forms E130V.
Identifiers: ClinVar variation 2681904 (VCV002681904.2), dbSNP rs1370361422, ClinGen allele CA397480924.
Genomic context (GRCh38, chr16:89,810,966, plus strand): 5'-CCTCATCTTTGCTGGTGTCTTACTCTCTGCTCCACAGTCAGCAGCACAGGGTGACTGGTC[T>A]CCGCTGGAGCCGTGCAGATCTGTCCCACGCTAGAGGCAACCATCCCGGCTGAGAGAATAC-3'
Protein context (NP_000126.2, residues 120-140): SVGQICTAPA[Glu130Val]TSHPVLLTVE

ClinVar aggregate classification (germline): Uncertain significance. Review status: criteria provided, multiple submitters, no conflicts (2 of 4 stars). 2 submissions from 2 submitters: Uncertain significance (2). Last evaluated 2024-11-28.

Conditions:
Inborn genetic diseases. Identifiers: MedGen C0950123, MeSH D030342.

Allele frequency attached by ClinVar (database versions not stated): gnomAD 0.00001; TOPMed 0.00001.
gnomAD v4.1: 3 of 1,614,036 alleles (0.00019%); highest among the groups gnomAD compares: East Asian, 0.0022%; no homozygotes.

Submissions (2):

Ambry Genetics
Classification: Uncertain significance for Inborn genetic diseases. Last evaluated: 2024-11-28. Review status: criteria provided, single submitter. Criteria: Ambry Variant Classification Scheme 2023. Collection method: clinical testing. Allele origin: germline.
Comment: The p.E130V variant (also known as c.389A>T), located in coding exon 4 of the FANCA gene, results from an A to T substitution at nucleotide position 389. The glutamic acid at codon 130 is replaced by valine, an amino acid with dissimilar properties. This amino acid position is conserved. In addition, this alteration is predicted to be tolerated by in silico analysis. Based on the available evidence, the clinical significance of this variant remains unclear.

Quest Diagnostics Nichols Institute San Juan Capistrano
Classification: Uncertain significance. Last evaluated: 2022-10-28. Review status: criteria provided, single submitter. Criteria: Quest Diagnostics criteria. Collection method: clinical testing. Allele origin: unknown.
Comment: This variant has not been reported in the published literature. It also has not been reported in large, multi-ethnic general populations. Analysis of this variant using bioinformatics tools for the prediction of the effect of amino acid changes on protein structure and function yielded predictions that this variant is benign. Based on the available information, we are unable to determine the clinical significance of this variant.